The following is an entry in ClinVar:

ClinVar aggregate classification (germline): Likely benign (1 of 4 stars; one submission).

gnomAD v4.1: 2 of 1,611,874 alleles (0.00012%); highest among the groups gnomAD compares: Non-Finnish European, 0.00017%; no homozygotes.

Submission:

CeGaT Center for Human Genetics Tuebingen
Classification: Likely benign. Last evaluated: 2023-11-01. Review status: criteria provided, single submitter. Criteria: CeGaT Center For Human Genetics Tuebingen Variant Classification Criteria Version 2. Collection method: clinical testing. Allele origin: germline. Affected: yes. Observed: 1 variant allele.
Comment: TTN: PM2:Supporting, BP4, BP7

NM_001267550.2(TTN):c.11312-3754C>T

Gene: TTN (titin; minus strand). Cytogenetic location: 2q31.2.
Variant type: single nucleotide variant.
Coding change: c.11312-3754C>T on transcript NM_001267550.2 (MANE Select); 3754 bases into the intron before coding-DNA position 11312, C replaced by T.
Molecular consequence: intron variant. On other transcripts: synonymous variant (1).
Genome position (GRCh38, 1-based): chr2:178,745,675, G>A on the plus strand (C>T on the coding strand, the complement: TTN is on the minus strand). VCF-style: chr2-178745675-G-A. GRCh37 (hg19) VCF-style: chr2-179610402-G-A.
Other names: c.16725C>T, p.Ser5575= (NM_133379.5); c.10223-3754C>T (NM_003319.4); c.10799-3754C>T (NM_133437.4); c.10598-3754C>T (NM_133432.3); c.10361-7315C>T (NM_133378.4); c.10361-3754C>T (NM_001256850.1).
Identifiers: ClinVar variation 2672848 (VCV002672848.23), dbSNP rs2530965615, ClinGen allele CA2577204094.